The following is an entry in ClinVar:

NM_001320.7(CSNK2B):c.61T>C (p.Phe21Leu)

Gene: CSNK2B (casein kinase 2 beta; plus strand). Cytogenetic location: 6p21.33.
Variant type: single nucleotide variant.
Coding change: c.61T>C on transcript NM_001320.7 (MANE Select); coding-DNA position 61, T replaced by C.
Protein change: p.Phe21Leu; replaces phenylalanine 21 with leucine.
Molecular consequence: missense variant.
Genome position (GRCh38, 1-based): chr6:31,666,892, T>C. VCF-style: chr6-31666892-T-C. GRCh37 (hg19) VCF-style: chr6-31634669-T-C.
Other names: c.61T>C, p.Phe21Leu (NM_001282385.2); short protein forms F21L.
Identifiers: ClinVar variation 4532659 (VCV004532659.1).

ClinVar aggregate classification (germline): Uncertain significance (1 of 4 stars; one submission).

Submission:

GeneDx
Classification: Uncertain significance. Last evaluated: 2025-05-28. Review status: criteria provided, single submitter. Criteria: GeneDx Variant Classification Process June 2021. Collection method: clinical testing. Allele origin: germline. Affected: yes.
Comment: Not observed at significant frequency in large population cohorts (gnomAD); In silico analysis supports that this missense variant has a deleterious effect on protein structure/function; Has not been previously published as pathogenic or benign to our knowledge